The following is an entry in ClinVar:

ClinVar aggregate classification (germline): Uncertain significance (1 of 4 stars; one submission).

Conditions:
Rhabdoid tumor predisposition syndrome 2 (RTPS2). Identifiers: Orphanet 231108, Orphanet 69077, MedGen C2750074, MONDO:0013224, OMIM 613325.

Submission:

Labcorp Genetics (formerly Invitae), Labcorp
Classification: Uncertain significance for Rhabdoid tumor predisposition syndrome 2. Last evaluated: 2020-01-06. Review status: criteria provided, single submitter. Criteria: Invitae Variant Classification Sherloc (09022015). Collection method: clinical testing. Allele origin: germline.
Comment: This sequence change replaces proline with leucine at codon 838 of the SMARCA4 protein (p.Pro838Leu). The proline residue is highly conserved and there is a moderate physicochemical difference between proline and leucine. This variant is not present in population databases (ExAC no frequency). This variant has not been reported in the literature in individuals with SMARCA4-related conditions. Algorithms developed to predict the effect of missense changes on protein structure and function (SIFT, PolyPhen-2, Align-GVGD) all suggest that this variant is likely to be disruptive, but these predictions have not been confirmed by published functional studies and their clinical significance is uncertain. In summary, the available evidence is currently insufficient to determine the role of this variant in disease. Therefore, it has been classified as a Variant of Uncertain Significance.

NM_003072.5(SMARCA4):c.2513C>T (p.Pro838Leu)

Gene: SMARCA4 (SWI/SNF related BAF chromatin remodeling complex subunit ATPase 4; plus strand). Cytogenetic location: 19p13.2.
Variant type: single nucleotide variant.
Coding change: c.2513C>T on transcript NM_003072.5 (MANE Select); coding-DNA position 2513, C replaced by T.
Protein change: p.Pro838Leu; replaces proline 838 with leucine.
Molecular consequence: missense variant. On other transcripts: non-coding transcript variant (1).
Genome position (GRCh38, 1-based): chr19:11,019,598, C>T. VCF-style: chr19-11019598-C-T. GRCh37 (hg19) VCF-style: chr19-11130274-C-T.
Other names: c.2513C>T, p.Pro838Leu (NM_001128844.3, NM_001128845.2, NM_001128846.2 and 4 more transcripts); short protein forms P838L.
Identifiers: ClinVar variation 1006318 (VCV001006318.9), dbSNP rs2089678940, ClinGen allele CA404054195.
Genomic context (GRCh38, chr19:11,019,598, plus strand): 5'-CACCTGGCCACCCGGCTCCAAAAGCCGAGCTGTGCATCCTGCTTCCCTTGCAGGGATCCC[C>T]AGCAGCAAGACGGGCCTTTGTCCCCCAGCTCCGGAGTGGGAAGTTCAACGTCTTGCTGAC-3'
Protein context (NP_003063.2, residues 828-848): SVVKVSYKGS[Pro838Leu]AARRAFVPQL